The following is an entry in ClinVar:

NM_000169.3(GLA):c.1181T>C (p.Leu394Pro)

Genes: GLA (galactosidase alpha; minus strand), RPL36A-HNRNPH2 (RPL36A-HNRNPH2 readthrough; plus strand). Cytogenetic location: Xq22.1.
Variant type: single nucleotide variant.
Coding change: c.1181T>C on transcript NM_000169.3 (MANE Select); coding-DNA position 1181, T replaced by C.
Protein change: p.Leu394Pro; replaces leucine 394 with proline.
Molecular consequence: missense variant. On other transcripts: non-coding transcript variant (3), intron variant (2).
Genome position (GRCh38, 1-based): chrX:101,397,918, A>G on the plus strand (T>C on the coding strand, the complement: GLA is on the minus strand). VCF-style: chrX-101397918-A-G. GRCh37 (hg19) VCF-style: chrX-100652906-A-G.
Other names: c.1304T>C, p.Leu435Pro (NM_001406747.1); c.300+2461A>G (NM_001199973.2); c.177+6096A>G (NM_001199974.2); short protein forms L394P, L435P.
Identifiers: ClinVar variation 281678 (VCV000281678.35), dbSNP rs886044779, ClinGen allele CA10603946.

ClinVar aggregate classification (germline): Conflicting classifications of pathogenicity. Review status: criteria provided, conflicting classifications (1 of 4 stars). 13 submissions from 13 submitters: Likely pathogenic (1); Uncertain significance (11). 1 of the submissions does not count toward it. Last evaluated 2026-09-08.

Conditions:
Cardiovascular phenotype. Identifiers: MedGen CN230736.
Fabry disease. Also called: ALPHA-GALACTOSIDASE A DEFICIENCY; CERAMIDE TRIHEXOSIDASE DEFICIENCY; GLA DEFICIENCY; HEREDITARY DYSTOPIC LIPIDOSIS; Fabry's disease; Ceramide trihexosidosis. Identifiers: Orphanet 324, MedGen C0002986, MONDO:0010526, OMIM 301500, HP:0001071. Disease mechanism: loss of function, Fabry disease is due to inactivating mutations in the X-linked GLA gene resulting in deficiency of the enzyme Alpha Galactosidase-A..

Allele frequency attached by ClinVar (database versions not stated): TOPMed below 0.00001; gnomAD 0.00002.
gnomAD v4.1: 2 of 1,208,972 alleles (0.00017%); highest among the groups gnomAD compares: Non-Finnish European, 0.00022%; no homozygotes.

Submissions (13):

Genomenon, Inc
Classification: Uncertain significance for Fabry disease. Last evaluated: 2026-09-08. Review status: criteria provided, single submitter. Criteria: Genomenon Sequence Variant Interpretation Standards - Updated. Collection method: curation. Allele origin: germline. Affected: yes.
Comment: GLA p.Leu394Pro (c.1181T>C) is a missense variant that changes the amino acid at codon 394 from Leucine to Proline. This variant has been observed in at least one proband with clinical features consistent with Fabry disease (PMID:39704415;39685527;33073010). Functional or patient cell studies have been reported (PMID:39704415). It is absent or not present at a significant frequency in gnomAD. In silico models predict that this variant is possibly or probably damaging. In conclusion, we classify GLA p.Leu394Pro (c.1181T>C) as a variant of uncertain significance.

Myriad Genetics, Inc.
Classification: Likely pathogenic for Fabry disease. Last evaluated: 2026-01-16. Review status: criteria provided, single submitter. Criteria: Myriad Autosomal Dominant, Autosomal Recessive and X-Linked Classification Criteria (2023). Collection method: clinical testing. Allele origin: unknown.
Comment: NM_000169.2(GLA):c.1181T>C(L394P) is a missense variant classified as likely pathogenic in the context of Fabry disease. Please note that L394P may be associated with the atypical form of Fabry disease. L394P has been observed in cases with relevant disease (PMID: 39685527, 39704415, 32719972, 33073010). Relevant functional assessments of this variant are not available in the literature. L394P has not been observed in referenced population frequency databases. In summary, NM_000169.2(GLA):c.1181T>C(L394P) is a missense variant that has been observed more frequently in cases with the relevant disease than in healthy populations. Please note: this variant was assessed in the context of healthy population screening.

Labcorp Genetics (formerly Invitae), Labcorp
Classification: Uncertain significance for Fabry disease. Last evaluated: 2025-08-03. Review status: criteria provided, single submitter. Criteria: Invitae Variant Classification Sherloc (09022015). Collection method: clinical testing. Allele origin: germline.
Comment: This sequence change replaces leucine, which is neutral and non-polar, with proline, which is neutral and non-polar, at codon 394 of the GLA protein (p.Leu394Pro). This variant is not present in population databases (gnomAD no frequency). This missense change has been observed in individual(s) with Fabry disease (PMID: 32719972, 33073010). ClinVar contains an entry for this variant (Variation ID: 281678). Invitae Evidence Modeling of protein sequence and biophysical properties (such as structural, functional, and spatial information, amino acid conservation, physicochemical variation, residue mobility, and thermodynamic stability) indicates that this missense variant is not expected to disrupt GLA protein function with a negative predictive value of 80%. In summary, the available evidence is currently insufficient to determine the role of this variant in disease. Therefore, it has been classified as a Variant of Uncertain Significance.

Greenwood Genetic Center Diagnostic Laboratories, Greenwood Genetic Center
Classification: Uncertain significance. Last evaluated: 2025-06-11. Review status: criteria provided, single submitter. Criteria: ACMG Guidelines, 2015. Collection method: clinical testing. Allele origin: germline. Affected: yes.
Comment: PM1_Supporting, PM2

All of Us Research Program, National Institutes of Health
Classification: Uncertain significance for Fabry disease. Last evaluated: 2024-01-03. Review status: criteria provided, single submitter. Criteria: ACMG Guidelines, 2015. Collection method: clinical testing. Allele origin: germline. Inheritance: X-linked inheritance. Observed: 1 variant allele, 1 heterozygote.
Comment: This missense variant replaces leucine with proline at codon 394 of the GLA protein. Computational prediction tools indicate that this variant's impact on protein structure and function is inconclusive. Functional studies investigating the impact of this variant on GLA enzyme activity have not been reported. However, the variant has been reported in males lacking Fabry disease symptoms in multiple pedigrees affected with kidney disease (doi:10.1101/2022.09.27.509714; not peer-reviewed), suggesting that the variant may not be causative for Fabry disease. This variant has also been observed in additional individuals unaffected with Fabry disease and has not been observed in affected individuals (communication with external laboratories; ClinVar SCV ID: SCV001513189.3, SCV001982529.3, SCV003816826.1; Color internal data). This variant has not been identified in the general population by the Genome Aggregation Database (gnomAD). Additional studies are necessary to determine the role of this variant in disease conclusively. Therefore, this variant is classified as a Variant of Uncertain Significance.

This study involves interpretation of variants in research participants for the purpose of population health screening. Participant phenotype was not available at the time of variant classification. Additional details can be found in publication PMID: 35346344, PMCID: PMC8962531

Color Diagnostics, LLC DBA Color Health
Classification: Uncertain significance for Fabry disease. Last evaluated: 2023-12-15. Review status: criteria provided, single submitter. Criteria: ACMG Guidelines, 2015. Collection method: clinical testing. Allele origin: germline.
Comment: This missense variant replaces leucine with proline at codon 394 of the GLA protein. Computational prediction tools indicate that this variant's impact on protein structure and function is inconclusive. Functional studies investigating the impact of this variant on GLA enzyme activity have not been reported. However, the variant has been reported in males lacking Fabry disease symptoms in multiple pedigrees affected with kidney disease (doi:10.1101/2022.09.27.509714; not peer-reviewed), suggesting that the variant may not be causative for Fabry disease. This variant has also been observed in additional individuals unaffected with Fabry disease and has not been observed in affected individuals (communication with external laboratories; ClinVar SCV ID: SCV001513189.3, SCV001982529.3, SCV003816826.1; Color internal data). This variant has not been identified in the general population by the Genome Aggregation Database (gnomAD). Additional studies are necessary to determine the role of this variant in disease conclusively. Therefore, this variant is classified as a Variant of Uncertain Significance.

Revvity Omics, Revvity
Classification: Uncertain significance. Last evaluated: 2022-11-10. Review status: criteria provided, single submitter. Criteria: ACMG Guidelines, 2015. Collection method: clinical testing. Allele origin: germline.

GeneDx
Classification: Uncertain significance. Last evaluated: 2022-06-22. Review status: criteria provided, single submitter. Criteria: GeneDx Variant Classification Process June 2021. Collection method: clinical testing. Allele origin: germline. Affected: yes.
Comment: In silico analysis, which includes splice predictors and evolutionary conservation, supports a deleterious effect; Not observed in large population cohorts (gnomAD); This variant is associated with the following publications: (PMID: 33835496)

Fulgent Genetics
Classification: Uncertain significance for Fabry disease. Last evaluated: 2021-11-05. Review status: criteria provided, single submitter. Criteria: ACMG Guidelines, 2015. Collection method: clinical testing. Allele origin: unknown.

Genome-Nilou Lab
Classification: Uncertain significance for Fabry disease. Last evaluated: 2021-07-15. Review status: criteria provided, single submitter. Criteria: ACMG Guidelines, 2015. Collection method: clinical testing. Allele origin: germline. Affected: no.

Ambry Genetics
Classification: Uncertain significance for Cardiovascular phenotype. Last evaluated: 2020-03-26. Review status: criteria provided, single submitter. Criteria: Ambry Variant Classification Scheme 2023. Collection method: clinical testing. Allele origin: germline.
Comment: The p.L394P variant (also known as c.1181T>C), located in coding exon 7 of the GLA gene, results from a T to C substitution at nucleotide position 1181. The leucine at codon 394 is replaced by proline, an amino acid with similar properties. This amino acid position is not well conserved in available vertebrate species. In addition, this alteration is predicted to be deleterious by in silico analysis. Since supporting evidence is limited at this time, the clinical significance of this alteration remains unclear.

Eurofins Ntd Llc (ga)
Classification: Uncertain significance. Last evaluated: 2015-06-22. Review status: criteria provided, single submitter. Criteria: EGL Classification Definitions 2015. Collection method: clinical testing. Allele origin: germline. Observed: 4 variant alleles, 2 heterozygotes, 2 hemizygotes.

Natera, Inc.
Classification: Uncertain significance for Fabry disease. Last evaluated: 2021-09-27. Review status: no assertion criteria provided. Collection method: clinical testing. Allele origin: germline. Not counted in ClinVar's aggregate classification.

Literature cited by the submitters: PubMed 39704415 (cited by Genomenon, Inc and Myriad Genetics, Inc.); PubMed 39685527 (cited by Genomenon, Inc and Myriad Genetics, Inc.); PubMed 33073010 (cited by 5 submitters); PubMed 32719972 (cited by 4 submitters); PubMed 33835496 (cited by All of Us Research Program, National Institutes of Health and Color Diagnostics, LLC DBA Color Health).